The following is an entry in ClinVar:

ClinVar aggregate classification (germline): Uncertain significance (1 of 4 stars; one submission).

Conditions:
Congenital disorder of glycosylation (CDG). Also called: Congenital disorders of glycosylation; Carbohydrate-deficient glycoprotein syndrome. Identifiers: Orphanet 137, MedGen C0282577, MONDO:0015286.

gnomAD v4.1: 11 of 1,613,944 alleles (0.00068%); highest among the groups gnomAD compares: Admixed American, 0.018%; no homozygotes.

Submission:

Labcorp Genetics (formerly Invitae), Labcorp
Classification: Uncertain significance for Congenital disorder of glycosylation. Last evaluated: 2026-01-13. Review status: criteria provided, single submitter. Criteria: Invitae Variant Classification Sherloc (09022015). Collection method: clinical testing. Allele origin: germline.
Comment: This sequence change replaces serine, which is neutral and polar, with phenylalanine, which is neutral and non-polar, at codon 342 of the RPN2 protein (p.Ser342Phe). This variant is present in population databases (rs761384863, gnomAD 0.03%). This variant has not been reported in the literature in individuals affected with RPN2-related conditions. An algorithm developed to predict the effect of missense changes on protein structure and function (PolyPhen-2) suggests that this variant is likely to be disruptive. In summary, the available evidence is currently insufficient to determine the role of this variant in disease. Therefore, it has been classified as a Variant of Uncertain Significance.

NM_002951.5(RPN2):c.1025C>T (p.Ser342Phe)

Gene: RPN2 (ribophorin II; plus strand). Cytogenetic location: 20q11.23.
Variant type: single nucleotide variant.
Coding change: c.1025C>T on transcript NM_002951.5 (MANE Select); coding-DNA position 1025, C replaced by T.
Protein change: p.Ser342Phe; replaces serine 342 with phenylalanine.
Molecular consequence: missense variant.
Genome position (GRCh38, 1-based): chr20:37,213,798, C>T. VCF-style: chr20-37213798-C-T. GRCh37 (hg19) VCF-style: chr20-35842201-C-T.
Other names: c.929C>T, p.Ser310Phe (NM_001135771.3); c.1025C>T, p.Ser342Phe (NM_001324299.2, NM_001324302.2, NM_001324303.2 and 1 more transcripts); c.1073C>T, p.Ser358Phe (NM_001324301.2, NM_001324305.2); c.554C>T, p.Ser185Phe (NM_001324306.2); short protein forms S342F, S358F, S185F, S310F.
Identifiers: ClinVar variation 4738015 (VCV004738015.1).